The following is an entry in ClinVar:

ClinVar aggregate classification (germline): Uncertain significance (1 of 4 stars; one submission).

Conditions:
Inborn genetic diseases. Identifiers: MedGen C0950123, MeSH D030342.

Submission:

Ambry Genetics
Classification: Uncertain significance for Inborn genetic diseases. Last evaluated: 2026-06-04. Review status: criteria provided, single submitter. Criteria: Ambry Variant Classification Scheme 2023. Collection method: clinical testing. Allele origin: germline.
Comment: The c.1169A>G (p.D390G) alteration is located in exon 8 (coding exon 8) of the SCN4A gene. This alteration results from a A to G substitution at nucleotide position 1169, causing the aspartic acid (D) at amino acid position 390 to be replaced by a glycine (G). Based on data from gnomAD, the G allele has an overall frequency of 0.001% (2/222008) total alleles studied. The highest observed frequency was 0.004% (1/27016) of South Asian alleles. Based on insufficient or conflicting evidence, the clinical significance of this alteration remains unclear.

NM_000334.4(SCN4A):c.1169A>G (p.Asp390Gly)

Gene: SCN4A (sodium voltage-gated channel alpha subunit 4; minus strand). Cytogenetic location: 17q23.3.
Variant type: single nucleotide variant.
Coding change: c.1169A>G on transcript NM_000334.4 (MANE Select); coding-DNA position 1169, A replaced by G.
Protein change: p.Asp390Gly; replaces aspartic acid 390 with glycine.
Molecular consequence: missense variant.
Genome position (GRCh38, 1-based): chr17:63,966,175, T>C on the plus strand (A>G on the coding strand, the complement: SCN4A is on the minus strand). VCF-style: chr17-63966175-T-C. GRCh37 (hg19) VCF-style: chr17-62043535-T-C.
Other names: short protein forms D390G.
Identifiers: ClinVar variation 4864149 (VCV004864149.1).
Genomic context (GRCh38, chr17:63,966,175, plus strand): 5'-TTCTCCCAATAGTCCTGTGTCATGAGGCGGAAGAGAGCCAAGAAGGCCCAGCTGAAGGTG[T>C]CATAGCTGGTGTAGCCATAGTTGGGGTTCCGCCCGGTCTTGATGCACTCATAACCCTCAG-3'
Protein context (NP_000325.4, residues 380-400): RNPNYGYTSY[Asp390Gly]TFSWAFLALF